The following is an entry in ClinVar:

ClinVar aggregate classification (germline): Benign/Likely benign. Review status: criteria provided, multiple submitters, no conflicts (2 of 4 stars). 5 submissions from 5 submitters: Benign (1); Likely benign (4). Last evaluated 2026-01-01.

Conditions:
ABCB7-related disorder. Also called: ABCB7-related condition.

Allele frequency attached by ClinVar (database versions not stated): gnomAD exomes 0.00005 and 0.00012; gnomAD 0.00007 and 0.00008; ESP Exome Variant Server 0.00009; ExAC 0.00011; TOPMed 0.00011.
gnomAD v4.1: 68 of 1,202,609 alleles (0.0057%); highest among the groups gnomAD compares: Non-Finnish European, 0.00068%; no homozygotes.

Submissions (6):

CeGaT Center for Human Genetics Tuebingen
Classification: Likely benign. Last evaluated: 2026-01-01. Review status: criteria provided, single submitter. Criteria: CeGaT Center For Human Genetics Tuebingen Variant Classification Criteria Version 2. Collection method: clinical testing. Allele origin: germline. Affected: yes. Observed: 1 variant allele.
Comment: ABCB7: BP4, BS2

Labcorp Genetics (formerly Invitae), Labcorp
Classification: Benign. Last evaluated: 2025-11-03. Review status: criteria provided, single submitter. Criteria: Invitae Variant Classification Sherloc (09022015). Collection method: clinical testing. Allele origin: germline.

PreventionGenetics, part of Exact Sciences
Classification: Likely benign for ABCB7-related condition. Last evaluated: 2025-04-04. Review status: criteria provided, single submitter. Criteria: ACMG Guidelines, 2015. Collection method: clinical testing. Allele origin: germline.
Comment: This variant is classified as likely benign based on ACMG/AMP sequence variant interpretation guidelines (Richards et al. 2015 PMID: 25741868, with internal and published modifications).

GeneDx
Classification: Likely benign. Last evaluated: 2018-03-14. Review status: criteria provided, single submitter. Criteria: GeneDx Variant Classification (06012015). Collection method: clinical testing. Allele origin: germline. Affected: yes.
Comment: This variant is considered likely benign or benign based on one or more of the following criteria: it is a conservative change, it occurs at a poorly conserved position in the protein, it is predicted to be benign by multiple in silico algorithms, and/or has population frequency not consistent with disease.

Breakthrough Genomics
Classification: Likely benign. Review status: criteria provided, single submitter. Criteria: ACMG Guidelines, 2015. Collection method: not provided. Allele origin: germline. Inheritance: X-linked inheritance. Affected: yes.

Dr. Peter K. Rogan Lab, Western University
No classification provided (evidence only). Condition: Thyroid cancer, nonmedullary, 1. Review status: no classification provided. Collection method: in vitro. Allele origin: not applicable. Functional consequence: retained intron. Not counted in ClinVar's aggregate classification.

NM_001271696.3(ABCB7):c.1950C>G (p.Ala650=)

Gene: ABCB7 (ATP binding cassette subfamily B member 7; minus strand). Cytogenetic location: Xq13.3.
Variant type: single nucleotide variant.
Coding change: c.1950C>G on transcript NM_001271696.3 (MANE Select); coding-DNA position 1950, C replaced by G.
Protein change: p.Ala650=; no amino-acid change (alanine 650 retained).
Molecular consequence: synonymous variant.
Genome position (GRCh38, 1-based): chrX:75,060,316, G>C on the plus strand (C>G on the coding strand, the complement: ABCB7 is on the minus strand). VCF-style: chrX-75060316-G-C. GRCh37 (hg19) VCF-style: chrX-74280151-G-C.
Other names: c.1830C>G, p.Ala610= (NM_001271697.3); c.1872C>G, p.Ala624= (NM_001271698.3); c.1833C>G, p.Ala611= (NM_001271699.3); c.1953C>G, p.Ala651= (NM_004299.6); c.1953C>G (NM_004299.4).
Identifiers: ClinVar variation 386506 (VCV000386506.11), dbSNP rs367870900, ClinGen allele CA10455318.